The following is an entry in ClinVar:

NM_001134407.3(GRIN2A):c.744C>T (p.Leu248=)

Gene: GRIN2A (glutamate ionotropic receptor NMDA type subunit 2A; minus strand). Cytogenetic location: 16p13.2.
Variant type: single nucleotide variant.
Coding change: c.744C>T on transcript NM_001134407.3 (MANE Select); coding-DNA position 744, C replaced by T.
Protein change: p.Leu248=; no amino-acid change (leucine 248 retained).
Molecular consequence: synonymous variant.
Genome position (GRCh38, 1-based): chr16:9,938,222, G>A on the plus strand (C>T on the coding strand, the complement: GRIN2A is on the minus strand). VCF-style: chr16-9938222-G-A. GRCh37 (hg19) VCF-style: chr16-10032079-G-A.
Other names: c.744C>T, p.Leu248= (NM_000833.5, NM_001134408.2).
Identifiers: ClinVar variation 511456 (VCV000511456.14), dbSNP rs928714067, ClinGen allele CA278194579.

ClinVar aggregate classification (germline): Likely benign. Review status: criteria provided, multiple submitters, no conflicts (2 of 4 stars). 2 submissions from 2 submitters: Likely benign (2). Last evaluated 2025-04-08.

Conditions:
Landau-Kleffner syndrome (FESD). Also called: EPILEPSY, FOCAL, WITH SPEECH DISORDER AND WITH OR WITHOUT MENTAL RETARDATION; APHASIA, ACQUIRED, WITH EPILEPSY. Identifiers: Orphanet 1945, Orphanet 725, Orphanet 98818, MedGen C0282512, MONDO:0009509, OMIM 245570.

Allele frequency attached by ClinVar (database versions not stated): gnomAD 0.00004 and 0.00003; gnomAD exomes below 0.00001; TOPMed 0.00008.
gnomAD v4.1: 8 of 1,613,932 alleles (0.0005%); highest among the groups gnomAD compares: African/African-American, 0.0093%; no homozygotes.

Submissions (2):

Labcorp Genetics (formerly Invitae), Labcorp
Classification: Likely benign for Landau-Kleffner syndrome. Last evaluated: 2025-04-08. Review status: criteria provided, single submitter. Criteria: Invitae Variant Classification Sherloc (09022015). Collection method: clinical testing. Allele origin: germline.

GeneDx
Classification: Likely benign. Last evaluated: 2017-08-16. Review status: criteria provided, single submitter. Criteria: GeneDx Variant Classification (06012015). Collection method: clinical testing. Allele origin: germline. Affected: yes.
Comment: This variant is considered likely benign or benign based on one or more of the following criteria: it is a conservative change, it occurs at a poorly conserved position in the protein, it is predicted to be benign by multiple in silico algorithms, and/or has population frequency not consistent with disease.